The following is an entry in ClinVar:

ClinVar aggregate classification (germline): Pathogenic (0 of 4 stars; one submission).

Conditions:
Mitochondrial DNA depletion syndrome, myopathic form (MTDPS2). Also called: MITOCHONDRIAL DNA DEPLETION MYOPATHY, TK2-RELATED; TK2-Related Mitochondrial DNA Maintenance Defect, Myopathic Form; MITOCHONDRIAL DNA DEPLETION SYNDROME 2 (MYOPATHIC TYPE). Identifiers: Orphanet 254875, MedGen C3149750, MONDO:0012301, OMIM 609560.

Submission:

GeneReviews
Classification: Pathogenic for TK2-Related Mitochondrial DNA Depletion Syndrome, Myopathic Form. Last evaluated: 2012-12-06. Review status: no assertion criteria provided. Collection method: curation. Allele origin: unknown.
ClinVar note: Converted during submission from pathologic to Pathogenic.

NM_001040138.2(CKLF):c.-7863_-2035delins[AC010542.7:g.65062_65110]

Genes: TK2 (thymidine kinase 2; minus strand), LOC130059156 (ATAC-STARR-seq lymphoblastoid silent region 7560; plus strand). Cytogenetic location: 16q21.
Variant type: Indel.
Coding change: c.-7863_-2035delins[AC010542.7:g.65062_65110] on transcript NM_001040138.2; 7863 bases upstream of the start codon through 2035 bases upstream of the start codon, the reference bases replaced by an inserted sequence.
Identifiers: ClinVar variation 38972 (VCV000038972.4).